The following is an entry in ClinVar:

ClinVar aggregate classification (germline): Uncertain significance (1 of 4 stars; one submission).

Submission:

GeneDx
Classification: Uncertain significance. Last evaluated: 2025-06-29. Review status: criteria provided, single submitter. Criteria: GeneDx Variant Classification Process June 2021. Collection method: clinical testing. Allele origin: germline. Affected: yes.
Comment: Not observed at significant frequency in large population cohorts (gnomAD); In silico analysis supports that this missense variant has a deleterious effect on protein structure/function; Has not been previously published as pathogenic or benign to our knowledge

NM_016148.5(SHANK1):c.879C>A (p.Asp293Glu)

Gene: SHANK1 (SH3 and multiple ankyrin repeat domains 1; minus strand). Cytogenetic location: 19q13.33.
Variant type: single nucleotide variant.
Coding change: c.879C>A on transcript NM_016148.5 (MANE Select); coding-DNA position 879, C replaced by A.
Protein change: p.Asp293Glu; replaces aspartic acid 293 with glutamic acid.
Molecular consequence: missense variant.
Genome position (GRCh38, 1-based): chr19:50,712,028, G>T on the plus strand (C>A on the coding strand, the complement: SHANK1 is on the minus strand). VCF-style: chr19-50712028-G-T. GRCh37 (hg19) VCF-style: chr19-51215285-G-T.
Other names: short protein forms D293E.
Identifiers: ClinVar variation 4680978 (VCV004680978.1).
Genomic context (GRCh38, chr19:50,712,028, plus strand): 5'-GTTCTCATCAGCTATGCCCAGCTGGGCCCTGTTGAACAGGAGCAGCTCGCAGCATCGGGG[G>T]TCACCACCCACCATGGCCGTGTGGAACAGAGGGGTCAGCCCCCGACGGTCCTTGTAGTTG-3'
Protein context (NP_057232.2, residues 283-303): PLFHTAMVGG[Asp293Glu]PRCCELLLFN